The following is an entry in ClinVar:

ClinVar aggregate classification (germline): Benign/Likely benign. Review status: criteria provided, multiple submitters, no conflicts (2 of 4 stars). 7 submissions from 6 submitters: Benign (6); Likely benign (1). Last evaluated 2026-01-22.

Conditions:
Fibromuscular dysplasia, multifocal. Identifiers: MedGen C5543412, MONDO:0859151, OMIM 619329.
Ehlers-Danlos syndrome, classic type, 1 (EDSCL1). Also called: Ehlers-Danlos Syndrome, Classic Type, COL5A1-Related; EHLERS-DANLOS SYNDROME, GRAVIS TYPE; EHLERS-DANLOS SYNDROME, SEVERE CLASSIC TYPE; Ehlers-Danlos syndrome, type 1; EDS I. Identifiers: MedGen C0268335, MONDO:0019567, OMIM 130000.
Familial thoracic aortic aneurysm and aortic dissection (TAAD). Also called: Thoracic aortic aneurysms and dissections. Identifiers: Orphanet 91387, MedGen C4707243, MONDO:0019625.

Allele frequency attached by ClinVar (database versions not stated): 1000 Genomes Project 30x 0.00094; gnomAD 0.00112 and 0.00116; TOPMed 0.00139; ESP Exome Variant Server 0.00077; 1000 Genomes Project 0.00120.
gnomAD v4.1: 347 of 1,614,240 alleles (0.021%); highest among the groups gnomAD compares: African/African-American, 0.42%; no homozygotes.

Submissions (7):

Women's Health and Genetics/Laboratory Corporation of America, LabCorp
Classification: Benign. Last evaluated: 2026-01-22. Review status: criteria provided, single submitter. Criteria: LabCorp Variant Classification Summary - May 2015. Collection method: clinical testing. Allele origin: germline.

Labcorp Genetics (formerly Invitae), Labcorp
Classification: Benign for Ehlers-Danlos syndrome, classic type, 1. Last evaluated: 2025-12-21. Review status: criteria provided, single submitter. Criteria: Invitae Variant Classification Sherloc (09022015). Collection method: clinical testing. Allele origin: germline.

Mayo Clinic Laboratories, Mayo Clinic
Classification: Likely benign. Last evaluated: 2024-10-23. Review status: criteria provided, single submitter. Criteria: ACMG Guidelines, 2015. Collection method: clinical testing. Allele origin: germline. Observed: 2 variant alleles.
Comment: BS1, BP4, BP7

Genome-Nilou Lab
Classification: Benign for Ehlers-Danlos syndrome, classic type, 1. Last evaluated: 2022-03-15. Review status: criteria provided, single submitter. Criteria: ACMG Guidelines, 2015. Collection method: clinical testing. Allele origin: germline. Affected: no.

Genome-Nilou Lab
Classification: Benign for Fibromuscular dysplasia, multifocal. Last evaluated: 2022-03-15. Review status: criteria provided, single submitter. Criteria: ACMG Guidelines, 2015. Collection method: clinical testing. Allele origin: germline. Affected: no.

Ambry Genetics
Classification: Benign for Familial thoracic aortic aneurysm and aortic dissection. Last evaluated: 2016-12-05. Review status: criteria provided, single submitter. Criteria: Ambry Variant Classification Scheme 2023. Collection method: clinical testing. Allele origin: germline.

GeneDx
Classification: Benign. Last evaluated: 2015-06-11. Review status: criteria provided, single submitter. Criteria: GeneDx Variant Classification (06012015). Collection method: clinical testing. Allele origin: germline. Affected: yes.
Comment: This variant is considered likely benign or benign based on one or more of the following criteria: it is a conservative change, it occurs at a poorly conserved position in the protein, it is predicted to be benign by multiple in silico algorithms, and/or has population frequency not consistent with disease.

NM_000093.5(COL5A1):c.4788G>C (p.Gly1596=)

Genes: COL5A1 (collagen type V alpha 1 chain; plus strand), LOC101448202 (uncharacterized LOC101448202; minus strand). Cytogenetic location: 9q34.3.
Variant type: single nucleotide variant.
Coding change: c.4788G>C on transcript NM_000093.5 (MANE Select); coding-DNA position 4788, G replaced by C.
Protein change: p.Gly1596=; no amino-acid change (glycine 1596 retained).
Molecular consequence: synonymous variant.
Genome position (GRCh38, 1-based): chr9:134,824,689, G>C. VCF-style: chr9-134824689-G-C. GRCh37 (hg19) VCF-style: chr9-137716535-G-C.
Other names: p.G1596G:GGG>GGC; p.Gly1596=; c.4788G>C, p.Gly1596= (NM_001278074.1).
Identifiers: ClinVar variation 212909 (VCV000212909.19), dbSNP rs138436047, ClinGen allele CA323656.
Genomic context (GRCh38, chr9:134,824,689, plus strand): 5'-GCCAATCCAGGCATCCAGGACGCGGCGGAACATCGACGCCAGCCAGCTGCTGGACGACGG[G>C]AATGGCGAGAACTACGTGGACTACGCGGACGGCATGGAAGAGATCTTCGGCTCTCTCAAC-3'
Protein context (NP_000084.3, residues 1586-1606): NIDASQLLDD[Gly1596=]NGENYVDYAD